The following is an entry in ClinVar:

ClinVar aggregate classification (germline): Likely benign (1 of 4 stars; one submission).

Allele frequency attached by ClinVar (database versions not stated): gnomAD exomes below 0.00001; TOPMed below 0.00001.
gnomAD v4.1: 2 of 1,614,040 alleles (0.00012%); highest among the groups gnomAD compares: Non-Finnish European, 0.000085%; no homozygotes.

Submission:

CeGaT Center for Human Genetics Tuebingen
Classification: Likely benign. Last evaluated: 2022-12-01. Review status: criteria provided, single submitter. Criteria: CeGaT Center For Human Genetics Tuebingen Variant Classification Criteria Version 2. Collection method: clinical testing. Allele origin: germline. Affected: yes. Observed: 1 variant allele.
Comment: TIE1: PM2:Supporting, BP4, BP7

NM_005424.5(TIE1):c.2142C>T (p.Tyr714=)

Gene: TIE1 (tyrosine kinase with immunoglobulin like and EGF like domains 1; plus strand). Cytogenetic location: 1p34.2.
Variant type: single nucleotide variant.
Coding change: c.2142C>T on transcript NM_005424.5 (MANE Select); coding-DNA position 2142, C replaced by T.
Protein change: p.Tyr714=; no amino-acid change (tyrosine 714 retained).
Molecular consequence: synonymous variant.
Genome position (GRCh38, 1-based): chr1:43,313,349, C>T. VCF-style: chr1-43313349-C-T. GRCh37 (hg19) VCF-style: chr1-43779020-C-T.
Other names: c.2007C>T, p.Tyr669= (NM_001253357.2).
Identifiers: ClinVar variation 2638745 (VCV002638745.24), dbSNP rs1646820876, ClinGen allele CA417546310.
Genomic context (GRCh38, chr1:43,313,349, plus strand): 5'-CGTGGACAGGCCTGAGGAGACAAGCACCATCATCCGTGGCCTCAACGCCAGCACGCGCTA[C>T]CTCTTCCGCATGCGGGCCAGCATTCAGGGGCTCGGGGACTGGAGCAACACAGTAGAAGAG-3'
Protein context (NP_005415.1, residues 704-724): IIRGLNASTR[Tyr714=]LFRMRASIQG